The following is an entry in ClinVar:

NM_001011547.3(SLC5A9):c.1535C>T (p.Ala512Val)

Gene: SLC5A9 (solute carrier family 5 member 9; plus strand). Cytogenetic location: 1p33.
Variant type: single nucleotide variant.
Coding change: c.1535C>T on transcript NM_001011547.3 (MANE Select); coding-DNA position 1535, C replaced by T.
Protein change: p.Ala512Val; replaces alanine 512 with valine.
Molecular consequence: missense variant.
Genome position (GRCh38, 1-based): chr1:48,239,395, C>T. VCF-style: chr1-48239395-C-T. GRCh37 (hg19) VCF-style: chr1-48705067-C-T.
Other names: c.1610C>T, p.Ala537Val (NM_001135181.2); short protein forms A512V, A537V.
Identifiers: ClinVar variation 3057528 (VCV003057528.2), dbSNP rs142122619, ClinGen allele CA843945.

ClinVar aggregate classification (germline): Likely benign (0 of 4 stars; one submission).

Conditions:
SLC5A9-related disorder. Also called: SLC5A9-related condition.

Allele frequency attached by ClinVar (database versions not stated): ExAC 0.00057; 1000 Genomes Project 30x 0.00078; 1000 Genomes Project 0.00080; gnomAD 0.00149; TOPMed 0.00170; ESP Exome Variant Server 0.00192.
gnomAD v4.1: 539 of 1,614,136 alleles (0.033%); highest among the groups gnomAD compares: African/African-American, 0.53%; 2 homozygotes.

Submission:

PreventionGenetics, part of Exact Sciences
Classification: Likely benign for SLC5A9-related condition. Last evaluated: 2024-04-04. Review status: no assertion criteria provided. Collection method: clinical testing. Allele origin: germline.
Comment: This variant is classified as likely benign based on ACMG/AMP sequence variant interpretation guidelines (Richards et al. 2015 PMID: 25741868, with internal and published modifications).